The following is an entry in ClinVar:

ClinVar aggregate classification (germline): Uncertain significance (1 of 4 stars; one submission).

gnomAD v4.1: 1 of 1,613,694 alleles (0.000062%); highest among the groups gnomAD compares: South Asian, 0.0011%; no homozygotes.

Submission:

Labcorp Genetics (formerly Invitae), Labcorp
Classification: Uncertain significance. Last evaluated: 2025-04-09. Review status: criteria provided, single submitter. Criteria: Invitae Variant Classification Sherloc (09022015). Collection method: clinical testing. Allele origin: germline.
Comment: This sequence change affects codon 121 of the RPL27 mRNA. It is a 'silent' change, meaning that it does not change the encoded amino acid sequence of the RPL27 protein. It affects a nucleotide within the consensus splice site. This variant is not present in population databases (gnomAD no frequency). This variant has not been reported in the literature in individuals affected with RPL27-related conditions. Algorithms developed to predict the effect of sequence changes on RNA splicing suggest that this variant is not likely to affect RNA splicing. In summary, the available evidence is currently insufficient to determine the role of this variant in disease. Therefore, it has been classified as a Variant of Uncertain Significance.

NM_000988.5(RPL27):c.363A>G (p.Arg121=)

Gene: RPL27 (ribosomal protein L27; plus strand). Cytogenetic location: 17q21.31.
Variant type: single nucleotide variant.
Coding change: c.363A>G on transcript NM_000988.5 (MANE Select); coding-DNA position 363, A replaced by G.
Protein change: p.Arg121=; no amino-acid change (arginine 121 retained).
Molecular consequence: synonymous variant. On other transcripts: non-coding transcript variant (1).
Genome position (GRCh38, 1-based): chr17:43,002,872, A>G. VCF-style: chr17-43002872-A-G. GRCh37 (hg19) VCF-style: chr17-41154889-A-G.
Other names: c.363A>G, p.Arg121= (NM_001349921.2, NM_001349922.2).
Identifiers: ClinVar variation 4799621 (VCV004799621.1).